The following is an entry in ClinVar:

NM_000426.4(LAMA2):c.8419C>T (p.Arg2807Cys)

Gene: LAMA2 (laminin subunit alpha 2; plus strand). Cytogenetic location: 6q22.33.
Variant type: single nucleotide variant.
Coding change: c.8419C>T on transcript NM_000426.4 (MANE Select); coding-DNA position 8419, C replaced by T.
Protein change: p.Arg2807Cys; replaces arginine 2807 with cysteine.
Molecular consequence: missense variant.
Genome position (GRCh38, 1-based): chr6:129,503,152, C>T. VCF-style: chr6-129503152-C-T. GRCh37 (hg19) VCF-style: chr6-129824297-C-T.
Other names: c.8407C>T, p.Arg2803Cys (NM_001079823.2); short protein forms R2807C, R2803C.
Identifiers: ClinVar variation 2066529 (VCV002066529.4), dbSNP rs754671210, ClinGen allele CA365634090.

ClinVar aggregate classification (germline): Uncertain significance. Review status: criteria provided, multiple submitters, no conflicts (2 of 4 stars). 2 submissions from 2 submitters: Uncertain significance (2). Last evaluated 2025-02-28.

Conditions:
Inborn genetic diseases. Identifiers: MedGen C0950123, MeSH D030342.
LAMA2-related muscular dystrophy (LAMA2-RD). Also called: Laminin alpha 2-related dystrophy. Identifiers: MedGen C5679788, MONDO:0100228.

gnomAD v4.1: 11 of 1,614,120 alleles (0.00068%); highest among the groups gnomAD compares: East Asian, 0.0022%; no homozygotes.

Submissions (2):

Ambry Genetics
Classification: Uncertain significance for Inborn genetic diseases. Last evaluated: 2025-02-28. Review status: criteria provided, single submitter. Criteria: Ambry Variant Classification Scheme 2023. Collection method: clinical testing. Allele origin: germline.

Labcorp Genetics (formerly Invitae), Labcorp
Classification: Uncertain significance for LAMA2-related muscular dystrophy. Last evaluated: 2024-09-23. Review status: criteria provided, single submitter. Criteria: Invitae Variant Classification Sherloc (09022015). Collection method: clinical testing. Allele origin: germline.
Comment: This sequence change replaces arginine, which is basic and polar, with cysteine, which is neutral and slightly polar, at codon 2807 of the LAMA2 protein (p.Arg2807Cys). This variant is present in population databases (no rsID available, gnomAD 0.005%). This variant has not been reported in the literature in individuals affected with LAMA2-related conditions. ClinVar contains an entry for this variant (Variation ID: 2066529). Invitae Evidence Modeling of protein sequence and biophysical properties (such as structural, functional, and spatial information, amino acid conservation, physicochemical variation, residue mobility, and thermodynamic stability) indicates that this missense variant is not expected to disrupt LAMA2 protein function with a negative predictive value of 95%. In summary, the available evidence is currently insufficient to determine the role of this variant in disease. Therefore, it has been classified as a Variant of Uncertain Significance.